The following is an entry in ClinVar:

ClinVar aggregate classification (germline): Uncertain significance (1 of 4 stars; one submission).

Conditions:
KMT2D-related disorder. Also called: KMT2D-Related Disorders.

Submission:

PreventionGenetics, part of Exact Sciences
Classification: Uncertain significance for KMT2D-related condition. Last evaluated: 2025-03-13. Review status: criteria provided, single submitter. Criteria: ACMG Guidelines, 2015. Collection method: clinical testing. Allele origin: germline.
Comment: The KMT2D c.8722C>A variant is predicted to result in the amino acid substitution p.Pro2908Thr. To our knowledge, this variant has not been reported in the literature or in a large population database (gnomAD), indicating this variant is rare. At this time, the clinical significance of this variant is uncertain due to the absence of conclusive functional and genetic evidence.

NM_003482.4(KMT2D):c.8722C>A (p.Pro2908Thr)

Gene: KMT2D (lysine methyltransferase 2D; minus strand). Cytogenetic location: 12q13.12.
Variant type: single nucleotide variant.
Coding change: c.8722C>A on transcript NM_003482.4 (MANE Select); coding-DNA position 8722, C replaced by A.
Protein change: p.Pro2908Thr; replaces proline 2908 with threonine.
Molecular consequence: missense variant.
Genome position (GRCh38, 1-based): chr12:49,038,634, G>T on the plus strand (C>A on the coding strand, the complement: KMT2D is on the minus strand). VCF-style: chr12-49038634-G-T. GRCh37 (hg19) VCF-style: chr12-49432417-G-T.
Other names: short protein forms P2908T.
Identifiers: ClinVar variation 4997083 (VCV004997083.1).
Genomic context (GRCh38, chr12:49,038,634, plus strand): 5'-CTGATACCGCCAGGCCCCGAAGCCCTTCAGGAGCCAGTCGGTGGGGGTCCTCACTTACAG[G>T]GTAAAAACGGGGTCTCTGAGGTGGGCCCTGACCAGGAAACGGAGTGCCCCCAGGTCCCAG-3'
Protein context (NP_003473.3, residues 2898-2918): QGPPQRPRFY[Pro2908Thr]VSEDPHRLAP